The following is an entry in ClinVar:

ClinVar aggregate classification (germline): Conflicting classifications of pathogenicity. Review status: criteria provided, conflicting classifications (1 of 4 stars). 2 submissions from 2 submitters: Uncertain significance (1); Likely benign (1). Last evaluated 2026-09-04.

Conditions:
Neurofibromatosis, type 1 (NF1). Also called: VON RECKLINGHAUSEN DISEASE; Peripheral type neurofibromatosis; Neurofibromatosis, type I; NEUROFIBROMATOSIS, TYPE I, SOMATIC. Identifiers: Orphanet 636, MedGen C0027831, MONDO:0018975, OMIM 162200. Disease mechanism: loss of function.
Cardiovascular phenotype. Identifiers: MedGen CN230736.
Hereditary cancer-predisposing syndrome. Also called: Hereditary Cancer Syndrome; Hereditary neoplastic syndrome; Neoplastic Syndromes, Hereditary; Tumor predisposition. Identifiers: Orphanet 140162, MedGen C0027672, MeSH D009386, MONDO:0015356.

Submissions (2):

Ambry Genetics
Classification: Likely benign for Cardiovascular phenotype; Hereditary cancer-predisposing syndrome. Last evaluated: 2026-09-04. Review status: criteria provided, single submitter. Criteria: Ambry Variant Classification Scheme 2023. Collection method: clinical testing. Allele origin: germline.

St. Jude Molecular Pathology, St. Jude Children's Research Hospital
Classification: Uncertain significance for Neurofibromatosis, type 1. Last evaluated: 2023-11-28. Review status: criteria provided, single submitter. Criteria: St. Jude Assertion Criteria 2020. Collection method: clinical testing. Allele origin: germline.
Comment: The NF1 c.7505G>A (p.Ser2502Asn) missense change is absent in gnomAD v2.1.1. The in silico tool REVEL predicts a benign effect on protein function, but to our knowledge this prediction has not been confirmed by functional studies. To our knowledge, this variant has not been reported in individuals with Neurofibromatosis type 1. In summary, the evidence currently available is insufficient to determine the clinical significance of this variant. It has therefore been classified as of uncertain significance.

NM_001042492.3(NF1):c.7568G>A (p.Ser2523Asn)

Gene: NF1 (neurofibromin 1; plus strand). Cytogenetic location: 17q11.2.
Variant type: single nucleotide variant.
Coding change: c.7568G>A on transcript NM_001042492.3 (MANE Select); coding-DNA position 7568, G replaced by A.
Protein change: p.Ser2523Asn; replaces serine 2523 with asparagine.
Molecular consequence: missense variant.
Genome position (GRCh38, 1-based): chr17:31,352,367, G>A. VCF-style: chr17-31352367-G-A. GRCh37 (hg19) VCF-style: chr17-29679385-G-A.
Other names: c.7505G>A, p.Ser2502Asn (NM_000267.4); short protein forms S2502N, S2523N.
Identifiers: ClinVar variation 1759229 (VCV001759229.4), dbSNP rs2151577300, ClinGen allele CA399017725.